The following is an entry in ClinVar:

NM_001370.2(DNAH6):c.8000A>G (p.Tyr2667Cys)

Gene: DNAH6 (dynein axonemal heavy chain 6; plus strand). Cytogenetic location: 2p11.2.
Variant type: single nucleotide variant.
Coding change: c.8000A>G on transcript NM_001370.2 (MANE Select); coding-DNA position 8000, A replaced by G.
Protein change: p.Tyr2667Cys; replaces tyrosine 2667 with cysteine.
Molecular consequence: missense variant.
Genome position (GRCh38, 1-based): chr2:84,701,278, A>G. VCF-style: chr2-84701278-A-G. GRCh37 (hg19) VCF-style: chr2-84928402-A-G.
Other names: short protein forms Y2667C.
Identifiers: ClinVar variation 4661009 (VCV004661009.2).

ClinVar aggregate classification (germline): Uncertain significance. Review status: criteria provided, multiple submitters, no conflicts (2 of 4 stars). 2 submissions from 2 submitters: Uncertain significance (2). Last evaluated 2025-11-03.

Conditions:
DNAH6-related disorder. Also called: DNAH6-related condition.

gnomAD v4.1: 28 of 1,551,754 alleles (0.0018%); highest among the groups gnomAD compares: Admixed American, 0.0039%; 1 homozygote.

Submissions (2):

Ambry Genetics
Classification: Uncertain significance. Last evaluated: 2025-11-03. Review status: criteria provided, single submitter. Criteria: Ambry Variant Classification Scheme 2023. Collection method: clinical testing. Allele origin: germline.

PreventionGenetics, part of Exact Sciences
Classification: Uncertain significance for DNAH6-related condition. Last evaluated: 2025-08-13. Review status: criteria provided, single submitter. Criteria: ACMG Guidelines, 2015. Collection method: clinical testing. Allele origin: germline.
Comment: The DNAH6 c.8000A>G variant is predicted to result in the amino acid substitution p.Tyr2667Cys. To our knowledge, this variant has not been reported in the literature. This variant is reported in 0.0059% of alleles in individuals of African descent in gnomAD. At this time, the clinical significance of this variant is uncertain due to the absence of conclusive functional and genetic evidence.